The following is an entry in ClinVar:

NM_005984.5(SLC25A1):c.770G>T (p.Arg257Leu)

Gene: SLC25A1 (solute carrier family 25 member 1; minus strand). Cytogenetic location: 22q11.21.
Variant type: single nucleotide variant.
Coding change: c.770G>T on transcript NM_005984.5 (MANE Select); coding-DNA position 770, G replaced by T.
Protein change: p.Arg257Leu; replaces arginine 257 with leucine.
Molecular consequence: missense variant. On other transcripts: non-coding transcript variant (1).
Genome position (GRCh38, 1-based): chr22:19,176,472, C>A on the plus strand (G>T on the coding strand, the complement: SLC25A1 is on the minus strand). VCF-style: chr22-19176472-C-A. GRCh37 (hg19) VCF-style: chr22-19163985-C-A.
Other names: c.791G>T, p.Arg264Leu (NM_001256534.2); c.461G>T, p.Arg154Leu (NM_001287387.2); short protein forms R154L, R257L, R264L.
Identifiers: ClinVar variation 1498953 (VCV001498953.8), dbSNP rs781929221, ClinGen allele CA410635450.

ClinVar aggregate classification (germline): Uncertain significance (1 of 4 stars; one submission).

Submission:

Labcorp Genetics (formerly Invitae), Labcorp
Classification: Uncertain significance. Last evaluated: 2023-11-27. Review status: criteria provided, single submitter. Criteria: Invitae Variant Classification Sherloc (09022015). Collection method: clinical testing. Allele origin: germline.
Comment: This sequence change replaces arginine, which is basic and polar, with leucine, which is neutral and non-polar, at codon 257 of the SLC25A1 protein (p.Arg257Leu). This variant is not present in population databases (gnomAD no frequency). This variant has not been reported in the literature in individuals affected with SLC25A1-related conditions. ClinVar contains an entry for this variant (Variation ID: 1498953). Advanced modeling of protein sequence and biophysical properties (such as structural, functional, and spatial information, amino acid conservation, physicochemical variation, residue mobility, and thermodynamic stability) performed at Invitae indicates that this missense variant is not expected to disrupt SLC25A1 protein function with a negative predictive value of 80%. In summary, the available evidence is currently insufficient to determine the role of this variant in disease. Therefore, it has been classified as a Variant of Uncertain Significance.